The following is an entry in ClinVar:

ClinVar aggregate classification (germline): Uncertain significance (1 of 4 stars; one submission).

Submission:

Ambry Genetics
Classification: Uncertain significance. Last evaluated: 2026-08-31. Review status: criteria provided, single submitter. Criteria: Ambry Variant Classification Scheme 2023. Collection method: clinical testing. Allele origin: germline.
Comment: The p.L1450P variant (also known as c.4349T>C), located in coding exon 39 of the KIF1B gene, results from a T to C substitution at nucleotide position 4349. The leucine at codon 1450 is replaced by proline, an amino acid with similar properties. This amino acid position is conserved. In addition, this alteration is predicted to be deleterious by in silico analysis. Based on the available evidence, the clinical significance of this variant remains unclear.

NM_001365951.3(KIF1B):c.4487T>C (p.Leu1496Pro)

Gene: KIF1B (kinesin family member 1B; plus strand). Cytogenetic location: 1p36.22.
Variant type: single nucleotide variant.
Coding change: c.4487T>C on transcript NM_001365951.3 (MANE Select); coding-DNA position 4487, T replaced by C.
Protein change: p.Leu1496Pro; replaces leucine 1496 with proline.
Molecular consequence: missense variant.
Genome position (GRCh38, 1-based): chr1:10,365,220, T>C. VCF-style: chr1-10365220-T-C. GRCh37 (hg19) VCF-style: chr1-10425278-T-C.
Other names: c.4487T>C, p.Leu1496Pro (NM_001365952.1); c.4349T>C, p.Leu1450Pro (NM_015074.3); short protein forms L1496P, L1450P.
Identifiers: ClinVar variation 5023228 (VCV005023228.1).